The following is an entry in ClinVar:

ClinVar aggregate classification (germline): other (0 of 4 stars; one submission).

Conditions:
Familial colorectal cancer. Identifiers: MedGen CN280943, MONDO:0023113. Disease mechanism: loss of function.

Allele frequency attached by ClinVar (database versions not stated): 1000 Genomes Project 0.43211; gnomAD 0.38562 and 0.39861; TOPMed 0.40116; 1000 Genomes Project 30x 0.42692.
gnomAD v4.1: 60,613 of 151,616 alleles (40%); highest among the groups gnomAD compares: East Asian, 66%; 14,578 homozygotes.

Submission:

Systems Biology Platform Zhejiang California International NanoSystems Institute
Classification: other for Familial colorectal cancer. Review status: no assertion criteria provided. Collection method: not provided. Allele origin: unknown.
ClinVar note: Converted during submission from cancer to other.

NM_000038.6(APC):c.1743+2193G>A

Gene: APC (APC regulator of WNT signaling pathway; plus strand). Cytogenetic location: 5q22.2.
Variant type: single nucleotide variant.
Coding change: c.1743+2193G>A on transcript NM_000038.6 (MANE Select); 2193 bases into the intron after coding-DNA position 1743, G replaced by A.
Molecular consequence: intron variant.
Genome position (GRCh38, 1-based): chr5:112,831,165, G>A. VCF-style: chr5-112831165-G-A. GRCh37 (hg19) VCF-style: chr5-112166862-G-A.
Other names: c.1743+2193G>A (NM_001354895.2, NM_001127510.3); c.1773+2193G>A (NM_001354897.2); c.1470+2193G>A (NM_001354902.2); c.1689+2193G>A (NM_001127511.3); c.1668+2193G>A (NM_001354898.2); c.1365+2193G>A (NM_001354904.2); c.894+2193G>A (NM_001354906.2); c.1797+2193G>A (NM_001354896.2); and 5 more.
Identifiers: ClinVar variation 83181 (VCV000083181.2), dbSNP rs2253987, ClinGen allele CA005615.